The following is an entry in ClinVar:

ClinVar aggregate classification (germline): Uncertain significance (1 of 4 stars; one submission).

Conditions:
Epileptic encephalopathy. Identifiers: MedGen C0543888, HP:0200134.

Submission:

Labcorp Genetics (formerly Invitae), Labcorp
Classification: Uncertain significance for Epileptic encephalopathy. Last evaluated: 2022-02-03. Review status: criteria provided, single submitter. Criteria: Invitae Variant Classification Sherloc (09022015). Collection method: clinical testing. Allele origin: germline.
Comment: This sequence change creates a premature translational stop signal (p.Leu1589Profs*35) in the RYR3 gene. It is expected to result in an absent or disrupted protein product. However, the current clinical and genetic evidence is not sufficient to establish whether loss-of-function variants in RYR3 cause disease. In summary, the available evidence is currently insufficient to determine the role of this variant in disease. Therefore, it has been classified as a Variant of Uncertain Significance. ClinVar contains an entry for this variant (Variation ID: 1052602). This variant has not been reported in the literature in individuals affected with RYR3-related conditions. This variant is not present in population databases (gnomAD no frequency).

NM_001036.6(RYR3):c.4766del (p.Leu1589fs)

Gene: RYR3 (ryanodine receptor 3; plus strand). Cytogenetic location: 15q14.
Variant type: Deletion.
Coding change: c.4766del on transcript NM_001036.6 (MANE Select); coding-DNA position 4766, one base deleted (T; older notation c.4766delT).
Protein change: p.Leu1589fs; shifts the reading frame from leucine 1589.
Molecular consequence: frameshift variant.
Genome position (GRCh38, 1-based): chr15:33,662,296, T deleted. VCF-style (leftmost placement, unchanged base first): chr15-33662295-CT-C. GRCh37 (hg19) VCF-style: chr15-33954496-CT-C.
Other names: c.4766del, p.Leu1589fs (NM_001243996.4); short protein forms L1589fs.
Identifiers: ClinVar variation 1052602 (VCV001052602.7), dbSNP rs2152706232, ClinGen allele CA2499222869.